The following is an entry in ClinVar:

NM_000093.5(COL5A1):c.1574G>A (p.Arg525Gln)

Gene: COL5A1 (collagen type V alpha 1 chain; plus strand). Cytogenetic location: 9q34.3.
Variant type: single nucleotide variant.
Coding change: c.1574G>A on transcript NM_000093.5 (MANE Select); coding-DNA position 1574, G replaced by A.
Protein change: p.Arg525Gln; replaces arginine 525 with glutamine.
Molecular consequence: missense variant.
Genome position (GRCh38, 1-based): chr9:134,750,794, G>A. VCF-style: chr9-134750794-G-A. GRCh37 (hg19) VCF-style: chr9-137642640-G-A.
Other names: p.R525Q:CGG>CAG; c.1574G>A, p.Arg525Gln (NM_001278074.1); short protein forms R525Q.
Identifiers: ClinVar variation 213037 (VCV000213037.55), dbSNP rs375762619, ClinGen allele CA320871.

ClinVar aggregate classification (germline): Conflicting classifications of pathogenicity. Review status: criteria provided, conflicting classifications (1 of 4 stars). 4 submissions from 4 submitters: Uncertain significance (2); Likely benign (2). Last evaluated 2026-08-05.

Conditions:
Ehlers-Danlos syndrome, classic type, 1 (EDSCL1). Also called: Ehlers-Danlos Syndrome, Classic Type, COL5A1-Related; EDS I; EHLERS-DANLOS SYNDROME, GRAVIS TYPE; EHLERS-DANLOS SYNDROME, SEVERE CLASSIC TYPE; Ehlers-Danlos syndrome, type 1. Identifiers: MedGen C0268335, MONDO:0019567, OMIM 130000.
Familial thoracic aortic aneurysm and aortic dissection (TAAD). Also called: Thoracic aortic aneurysms and dissections. Identifiers: Orphanet 91387, MedGen C4707243, MONDO:0019625.

Allele frequency attached by ClinVar (database versions not stated): ExAC 0.00007; 1000 Genomes Project 0.00020; gnomAD 0.00003 and 0.00002; gnomAD exomes 0.00007; ESP Exome Variant Server 0.00008; 1000 Genomes Project 30x 0.00031.
gnomAD v4.1: 61 of 1,613,332 alleles (0.0038%); highest among the groups gnomAD compares: Admixed American, 0.027%; no homozygotes.

Submissions (4):

GeneDx
Classification: Uncertain significance. Last evaluated: 2026-08-05. Review status: criteria provided, single submitter. Criteria: GeneDx Variant Classification Process June 2021. Collection method: clinical testing. Allele origin: germline.
Comment: Identified in a family with bicuspid aortic valve in published literature (PMID: 39226896); In silico analysis suggests that this missense variant does not alter protein structure/function; Not located in the triple helical region, where the majority of pathogenic missense variants occur (PMID: 22696272; HGMD); This variant is associated with the following publications: (PMID: 30467950, 22696272, 39226896)

Women's Health and Genetics/Laboratory Corporation of America, LabCorp
Classification: Likely benign. Last evaluated: 2026-05-07. Review status: criteria provided, single submitter. Criteria: LabCorp Variant Classification Summary - May 2015. Collection method: clinical testing. Allele origin: germline.
Comment: Variant summary: COL5A1 c.1574G>A (p.Arg525Gln) results in a conservative amino acid change in the encoded protein sequence. Algorithms developed to predict the effect of missense changes on protein structure and function are either unavailable or do not agree on the potential impact of this missense change. The variant allele was found at a frequency of 7.2e-05 in 250504 control chromosomes, predominantly at a frequency of 0.00035 within the Latino subpopulation in the gnomAD database. The observed variant frequency within Latino control individuals in the gnomAD database exceeds the estimated maximal expected allele frequency for disease-causing variants in COL5A1. To our knowledge, no occurrence of c.1574G>A in individuals affected with COL5A1-related conditions and no experimental evidence demonstrating its impact on protein function have been reported. ClinVar contains an entry for this variant (Variation ID: 213037). Based on the evidence outlined above, the variant was classified as likely benign.

Labcorp Genetics (formerly Invitae), Labcorp
Classification: Likely benign for Ehlers-Danlos syndrome, classic type, 1. Last evaluated: 2025-12-08. Review status: criteria provided, single submitter. Criteria: Invitae Variant Classification Sherloc (09022015). Collection method: clinical testing. Allele origin: germline.

Ambry Genetics
Classification: Uncertain significance for Familial thoracic aortic aneurysm and aortic dissection. Last evaluated: 2021-09-24. Review status: criteria provided, single submitter. Criteria: Ambry Variant Classification Scheme 2023. Collection method: clinical testing. Allele origin: germline.
Comment: The p.R525Q variant (also known as c.1574G>A), located in coding exon 13 of the COL5A1 gene, results from a G to A substitution at nucleotide position 1574. The arginine at codon 525 is replaced by glutamine, an amino acid with highly similar properties. This alteration was detected in a cerebral palsy cohort (Pingel J et al. Am J Med Genet B Neuropsychiatr Genet, 2019 01;180:12-24). This amino acid position is highly conserved in available vertebrate species. In addition, the in silico prediction for this alteration is inconclusive. Since supporting evidence is limited at this time, the clinical significance of this alteration remains unclear.

Literature cited by the submitters: PubMed 30467950 (cited by Ambry Genetics).